The following is an entry in ClinVar:

ClinVar aggregate classification (germline): Conflicting classifications of pathogenicity. Review status: criteria provided, conflicting classifications (1 of 4 stars). 3 submissions from 2 submitters: Uncertain significance (2); Likely benign (1). Last evaluated 2024-05-16.

Conditions:
Emery-Dreifuss muscular dystrophy 4, autosomal dominant (EDMD4). Also called: EMERY-DREIFUSS MUSCULAR DYSTROPHY 4 WITH VARIABLE FEATURES. Identifiers: Orphanet 261, MedGen C2751807, MONDO:0013071, OMIM 612998.
Autosomal recessive ataxia, Beauce type. Also called: ATAXIA, RECESSIVE, OF BEAUCE; SYNE1 Deficiency; SYNE1-Related Autosomal Recessive Cerebellar Ataxia; Spinocerebellar ataxia, autosomal recessive 8. Identifiers: Orphanet 88644, MedGen C1853116, MONDO:0012549, OMIM 610743.

Allele frequency attached by ClinVar (database versions not stated): gnomAD exomes 0.00001; ExAC 0.00002.
gnomAD v4.1: 5 of 1,614,208 alleles (0.00031%); highest among the groups gnomAD compares: Non-Finnish European, 0.00042%; no homozygotes.

Submissions (3):

Athena Diagnostics
Classification: Uncertain significance. Last evaluated: 2024-05-16. Review status: criteria provided, single submitter. Criteria: Athena Diagnostics Criteria. Collection method: clinical testing. Allele origin: unknown.
Comment: Available data are insufficient to determine the clinical significance of the variant at this time. The frequency of this variant in the general population is uninformative in assessment of its pathogenicity. Polyphen and MutationTaster yielded discordant predictions regarding whether this amino acid change is damaging to the protein.

Illumina Laboratory Services, Illumina
Classification: Uncertain significance for Autosomal recessive ataxia, Beauce type. Last evaluated: 2018-01-13. Review status: criteria provided, single submitter. Criteria: ICSL Variant Classification Criteria 13 December 2019. Collection method: clinical testing. Allele origin: germline.

Illumina Laboratory Services, Illumina
Classification: Likely benign for Emery-Dreifuss muscular dystrophy 4, autosomal dominant. Last evaluated: 2018-01-13. Review status: criteria provided, single submitter. Criteria: ICSL Variant Classification Criteria 13 December 2019. Collection method: clinical testing. Allele origin: germline.
Comment: This variant was observed in the ICSL laboratory as part of a predisposition screen in an ostensibly healthy population. It had not been previously curated by ICSL or reported in the Human Gene Mutation Database (HGMD: prior to June 1st, 2018), and was therefore a candidate for classification through an automated scoring system. Utilizing variant allele frequency, disease prevalence and penetrance estimates, and inheritance mode, an automated score was calculated to assess if this variant is too frequent to cause the disease. Based on the score and internal cut-off values, a variant classified as likely benign is not then subjected to further curation. The score for this variant resulted in a classification of likely benign for this disease.

NM_182961.4(SYNE1):c.10289G>A (p.Gly3430Glu)

Gene: SYNE1 (spectrin repeat containing nuclear envelope protein 1; minus strand). Cytogenetic location: 6q25.2.
Variant type: single nucleotide variant.
Coding change: c.10289G>A on transcript NM_182961.4 (MANE Select); coding-DNA position 10289, G replaced by A.
Protein change: p.Gly3430Glu; replaces glycine 3430 with glutamic acid.
Molecular consequence: missense variant.
Genome position (GRCh38, 1-based): chr6:152,362,180, C>T on the plus strand (G>A on the coding strand, the complement: SYNE1 is on the minus strand). VCF-style: chr6-152362180-C-T. GRCh37 (hg19) VCF-style: chr6-152683315-C-T.
Other names: c.10310G>A, p.Gly3437Glu (NM_033071.5); c.10289G>A (NM_182961.2); short protein forms G3430E, G3437E.
Identifiers: ClinVar variation 906283 (VCV000906283.5), dbSNP rs760727534, ClinGen allele CA4057008.